The following is an entry in ClinVar:

ClinVar aggregate classification (germline): Uncertain significance. Review status: criteria provided, multiple submitters, no conflicts (2 of 4 stars). 3 submissions from 3 submitters: Uncertain significance (3). Last evaluated 2017-10-16.

Conditions:
RASopathy. Also called: Noonan spectrum disorder; rasopathies. Identifiers: Orphanet 536391, MedGen C5555857, MONDO:0021060.

Submissions (3):

GeneDx
Classification: Uncertain significance. Last evaluated: 2017-10-16. Review status: criteria provided, single submitter. Criteria: GeneDx Variant Classification (06012015). Collection method: clinical testing. Allele origin: germline. Affected: yes.
Comment: The P646S variant in the RAF1 gene has not been reported previously as a pathogenic variant, nor as a benign variant, to our knowledge. The P646S variant is not observed in large population cohorts (Lek et al., 2016). The P646S variant is a non-conservative amino acid substitution, which is likely to impact secondary protein structure as these residues differ in polarity, charge, size and/or other properties. This substitution occurs at a position that is conserved across species, and in silico analysis predicts this variant is probably damaging to the protein structure/function. We interpret P646S as a variant of uncertain significance.

Stanford Center for Inherited Cardiovascular Disease, Stanford University
Classification: Uncertain significance. Last evaluated: 2017-07-14. Review status: criteria provided, single submitter. Criteria: ACMG Guidelines, 2015. Collection method: provider interpretation. Allele origin: germline.

Labcorp Genetics (formerly Invitae), Labcorp
Classification: Uncertain significance for RASopathy. Last evaluated: 2017-06-24. Review status: criteria provided, single submitter. Criteria: Invitae Variant Classification Sherloc (09022015). Collection method: clinical testing. Allele origin: germline.
Comment: In summary, the available evidence is currently insufficient to determine the role of this variant in disease. Therefore, it has been classified as a Variant of Uncertain Significance. Algorithms developed to predict the effect of missense changes on protein structure and function do not agree on the potential impact of this missense change (SIFT: "Tolerated"; PolyPhen-2: "Possibly Damaging"; Align-GVGD: "Class C0"). This variant has not been reported in the literature in individuals with RAF1-related disease. ClinVar contains an entry for this variant (Variation ID: 411093). This variant is not present in population databases (ExAC no frequency). This sequence change replaces proline with serine at codon 646 of the RAF1 protein (p.Pro646Ser). The proline residue is moderately conserved and there is a moderate physicochemical difference between proline and serine.

NM_002880.4(RAF1):c.1936C>T (p.Pro646Ser)

Gene: RAF1 (Raf-1 proto-oncogene, serine/threonine kinase; minus strand). Cytogenetic location: 3p25.2.
Variant type: single nucleotide variant.
Coding change: c.1936C>T on transcript NM_002880.4 (MANE Select); coding-DNA position 1936, C replaced by T.
Protein change: p.Pro646Ser; replaces proline 646 with serine.
Molecular consequence: missense variant. On other transcripts: non-coding transcript variant (3).
Genome position (GRCh38, 1-based): chr3:12,584,525, G>A on the plus strand (C>T on the coding strand, the complement: RAF1 is on the minus strand). VCF-style: chr3-12584525-G-A. GRCh37 (hg19) VCF-style: chr3-12626024-G-A.
Other names: c.1996C>T, p.Pro666Ser (NM_001354689.3); c.1936C>T, p.Pro646Ser (NM_001354690.3); c.1693C>T, p.Pro565Ser (NM_001354691.3, NM_001354692.3); c.1837C>T, p.Pro613Ser (NM_001354693.3); c.1753C>T, p.Pro585Ser (NM_001354694.3); c.1594C>T, p.Pro532Ser (NM_001354695.3); short protein forms P646S, P585S, P613S, P666S, P532S, P565S.
Identifiers: ClinVar variation 411093 (VCV000411093.11), dbSNP rs1060503152, ClinGen allele CA16611127.